The following is an entry in ClinVar:

ClinVar aggregate classification (germline): Pathogenic (1 of 4 stars; one submission).

Conditions:
Familial hypocalciuric hypercalcemia (FHH). Also called: Familial benign hypercalcemia. Identifiers: Orphanet 405, MedGen C1809471, MONDO:0018458.
Autosomal dominant hypocalcemia 1 (HYPOC1). Also called: HYPOCALCEMIA, FAMILIAL. Identifiers: MedGen C3715128, MONDO:0011013, OMIM 601198.

Submission:

Labcorp Genetics (formerly Invitae), Labcorp
Classification: Pathogenic for Familial hypocalciuric hypercalcemia; Autosomal dominant hypocalcemia 1. Last evaluated: 2019-06-24. Review status: criteria provided, single submitter. Criteria: Invitae Variant Classification Sherloc (09022015). Collection method: clinical testing. Allele origin: germline.
Comment: This sequence change results in a premature translational stop signal in the CASR gene (p.Leu658Cysfs*40). While this is not anticipated to result in nonsense mediated decay, it is expected to disrupt the last 421 amino acids of the CASR protein. This variant is not present in population databases (ExAC no frequency). For these reasons, this variant has been classified as Pathogenic. This variant removes the last four transmembrane domains of the CASR protein. Experimental data has shown that similar truncated proteins lacking the last two or four transmembrane domains are not properly glycosylated, do not localize to the cell surface, and have an impaired response to extracellular calcium (PMID: 9395465). In addition, a different truncation downstream of this variant (p.W718X) has been determined to be pathogenic and has been reported in an individual with familial hypocalciuric hypercalcemia (FHH) (PMID: 18796518). These data suggest that deletion of this region of the CASR protein is causative of disease. This variant has not been reported in the literature in individuals with CASR-related conditions. ClinVar contains an entry for this variant (Variation ID: 463917).

Literature cited by the submitters: PubMed 9395465; PubMed 18796518.

NM_000388.4(CASR):c.1972del (p.Leu658fs)

Gene: CASR (calcium sensing receptor; plus strand). Cytogenetic location: 3q21.1.
Variant type: Deletion.
Coding change: c.1972del on transcript NM_000388.4 (MANE Select); coding-DNA position 1972, one base deleted (C; older notation c.1972delC).
Protein change: p.Leu658fs; shifts the reading frame from leucine 658.
Molecular consequence: frameshift variant.
Genome position (GRCh38, 1-based): chr3:122,283,926, C deleted; the last of 3 consecutive C bases (chr3:122,283,924-122,283,926); deleting any one gives the same sequence. VCF-style (leftmost placement, unchanged base first): chr3-122283923-TC-T. GRCh37 (hg19) VCF-style: chr3-122002770-TC-T.
Other names: c.1972del (NM_000388.3); c.2002del, p.Leu668fs (NM_001178065.2); short protein forms L658fs, L668fs.
Identifiers: ClinVar variation 463917 (VCV000463917.11), dbSNP rs1553768972, ClinGen allele CA658657328.